The following is an entry in ClinVar:

ClinVar aggregate classification (germline): Uncertain significance. Review status: criteria provided, multiple submitters, no conflicts (2 of 4 stars). 2 submissions from 2 submitters: Uncertain significance (2). Last evaluated 2024-08-10.

Conditions:
Hereditary cancer-predisposing syndrome. Also called: Neoplastic Syndromes, Hereditary; Hereditary Cancer Syndrome; Tumor predisposition; Hereditary neoplastic syndrome. Identifiers: Orphanet 140162, MedGen C0027672, MeSH D009386, MONDO:0015356.
Familial meningioma. Also called: Meningioma, familial, susceptibility to. Identifiers: Orphanet 263662, MedGen C3551915, MONDO:0011789, OMIM 607174.

Submissions (2):

Ambry Genetics
Classification: Uncertain significance for Hereditary cancer-predisposing syndrome. Last evaluated: 2024-08-10. Review status: criteria provided, single submitter. Criteria: Ambry Variant Classification Scheme 2023. Collection method: clinical testing. Allele origin: germline.
Comment: The p.R297L variant (also known as c.890G>T), located in coding exon 9 of the SMARCE1 gene, results from a G to T substitution at nucleotide position 890. The arginine at codon 297 is replaced by leucine, an amino acid with dissimilar properties. This amino acid position is conserved. In addition, this alteration is predicted to be tolerated by in silico analysis. Based on the available evidence, the clinical significance of this variant remains unclear.

Labcorp Genetics (formerly Invitae), Labcorp
Classification: Uncertain significance for Familial meningioma. Last evaluated: 2023-06-27. Review status: criteria provided, single submitter. Criteria: Invitae Variant Classification Sherloc (09022015). Collection method: clinical testing. Allele origin: germline.
Comment: In summary, the available evidence is currently insufficient to determine the role of this variant in disease. Therefore, it has been classified as a Variant of Uncertain Significance. Advanced modeling of protein sequence and biophysical properties (such as structural, functional, and spatial information, amino acid conservation, physicochemical variation, residue mobility, and thermodynamic stability) performed at Invitae indicates that this missense variant is not expected to disrupt SMARCE1 protein function. ClinVar contains an entry for this variant (Variation ID: 2139795). This variant has not been reported in the literature in individuals affected with SMARCE1-related conditions. This variant is not present in population databases (gnomAD no frequency). This sequence change replaces arginine, which is basic and polar, with leucine, which is neutral and non-polar, at codon 297 of the SMARCE1 protein (p.Arg297Leu).

NM_003079.5(SMARCE1):c.890G>T (p.Arg297Leu)

Gene: SMARCE1 (SWI/SNF related BAF chromatin remodeling complex subunit E1; minus strand). Cytogenetic location: 17q21.2.
Variant type: single nucleotide variant.
Coding change: c.890G>T on transcript NM_003079.5 (MANE Select); coding-DNA position 890, G replaced by T.
Protein change: p.Arg297Leu; replaces arginine 297 with leucine.
Molecular consequence: missense variant.
Genome position (GRCh38, 1-based): chr17:40,630,851, C>A on the plus strand (G>T on the coding strand, the complement: SMARCE1 is on the minus strand). VCF-style: chr17-40630851-C-A. GRCh37 (hg19) VCF-style: chr17-38787103-C-A.
Other names: short protein forms R297L.
Identifiers: ClinVar variation 2139795 (VCV002139795.5), dbSNP rs1172017371, ClinGen allele CA399363762.